The following is an entry in ClinVar:

ClinVar aggregate classification (germline): Likely pathogenic. Review status: criteria provided, multiple submitters, no conflicts (2 of 4 stars). 2 submissions from 2 submitters: Likely pathogenic (2). Last evaluated 2025-10-23.

Conditions:
Primary ciliary dyskinesia. Also called: Ciliary dyskinesia. Identifiers: Orphanet 244, MedGen C0008780, MONDO:0016575, HP:0012265.
Primary ciliary dyskinesia 3. Identifiers: Orphanet 244, MedGen C1837618, MONDO:0012085, OMIM 608644.

Allele frequency attached by ClinVar (database versions not stated): TOPMed below 0.00001.
gnomAD v4.1: 1 of 1,614,214 alleles (0.000062%); highest among the groups gnomAD compares: Admixed American, 0.0017%; no homozygotes.

Submissions (2):

Women's Health and Genetics/Laboratory Corporation of America, LabCorp
Classification: Likely pathogenic for Primary ciliary dyskinesia 3. Last evaluated: 2025-10-23. Review status: criteria provided, single submitter. Criteria: LabCorp Variant Classification Summary - May 2015. Collection method: clinical testing. Allele origin: germline.
Comment: Variant summary: DNAH5 c.9986T>C (p.Leu3329Pro) results in a non-conservative amino acid change located in the Dynein heavy chain, coiled coil stalk (IPR0024743) of the encoded protein sequence. Algorithms developed to predict the effect of missense changes on protein structure and function all suggest that this variant is likely to be disruptive. The variant was absent in 251102 control chromosomes. c.9986T>C has been observed in individuals affected with Primary ciliary dyskinesia 3 (internal data). These data indicate that the variant may be associated with disease. To our knowledge, no experimental evidence demonstrating an impact on protein function has been reported. ClinVar contains an entry for this variant (Variation ID: 238991). Based on the evidence outlined above, the variant was classified as likely pathogenic.

Labcorp Genetics (formerly Invitae), Labcorp
Classification: Likely pathogenic for Primary ciliary dyskinesia. Last evaluated: 2023-04-25. Review status: criteria provided, single submitter. Criteria: Invitae Variant Classification Sherloc (09022015). Collection method: clinical testing. Allele origin: germline.
Comment: This sequence change replaces leucine, which is neutral and non-polar, with proline, which is neutral and non-polar, at codon 3329 of the DNAH5 protein (p.Leu3329Pro). This variant is not present in population databases (gnomAD no frequency). This missense change has been observed in individual(s) with primary ciliary dyskinesia (Invtiae). ClinVar contains an entry for this variant (Variation ID: 238991). Advanced modeling of protein sequence and biophysical properties (such as structural, functional, and spatial information, amino acid conservation, physicochemical variation, residue mobility, and thermodynamic stability) has been performed at Invitae for this missense variant, however the output from this modeling did not meet the statistical confidence thresholds required to predict the impact of this variant on DNAH5 protein function. In summary, the currently available evidence indicates that the variant is pathogenic, but additional data are needed to prove that conclusively. Therefore, this variant has been classified as Likely Pathogenic.

NM_001369.3(DNAH5):c.9986T>C (p.Leu3329Pro)

Gene: DNAH5 (dynein axonemal heavy chain 5; minus strand). Cytogenetic location: 5p15.2.
Variant type: single nucleotide variant.
Coding change: c.9986T>C on transcript NM_001369.3 (MANE Select); coding-DNA position 9986, T replaced by C.
Protein change: p.Leu3329Pro; replaces leucine 3329 with proline.
Molecular consequence: missense variant.
Genome position (GRCh38, 1-based): chr5:13,766,091, A>G on the plus strand (T>C on the coding strand, the complement: DNAH5 is on the minus strand). VCF-style: chr5-13766091-A-G. GRCh37 (hg19) VCF-style: chr5-13766200-A-G.
Other names: short protein forms L3329P.
Identifiers: ClinVar variation 238991 (VCV000238991.15), dbSNP rs878854459, ClinGen allele CA10582396.